The following is an entry in ClinVar:

NM_001283009.2(RTEL1):c.3005C>A (p.Pro1002Gln)

Genes: RTEL1 (regulator of telomere elongation helicase 1; plus strand), RTEL1-TNFRSF6B (RTEL1-TNFRSF6B readthrough (NMD candidate); plus strand). Cytogenetic location: 20q13.33.
Variant type: single nucleotide variant.
Coding change: c.3005C>A on transcript NM_001283009.2 (MANE Select); coding-DNA position 3005, C replaced by A.
Protein change: p.Pro1002Gln; replaces proline 1002 with glutamine.
Molecular consequence: missense variant. On other transcripts: non-coding transcript variant (1).
Genome position (GRCh38, 1-based): chr20:63,694,384, C>A. VCF-style: chr20-63694384-C-A. GRCh37 (hg19) VCF-style: chr20-62325737-C-A.
Other names: c.2336C>A, p.Pro779Gln (NM_001283010.1); c.3005C>A, p.Pro1002Gln (NM_016434.4); c.3077C>A, p.Pro1026Gln (NM_032957.5); short protein forms P1026Q, P779Q, P1002Q.
Identifiers: ClinVar variation 2081363 (VCV002081363.5), dbSNP rs767735975, ClinGen allele CA317526963.

ClinVar aggregate classification (germline): Uncertain significance. Review status: criteria provided, multiple submitters, no conflicts (2 of 4 stars). 3 submissions from 3 submitters: Uncertain significance (3). Last evaluated 2025-05-21.

Conditions:
Inborn genetic diseases. Identifiers: MedGen C0950123, MeSH D030342.
Pulmonary fibrosis and/or bone marrow failure, Telomere-related, 3. Also called: PULMONARY FIBROSIS AND/OR BONE MARROW FAILURE SYNDROME, TELOMERE-RELATED, 3. Identifiers: Orphanet 2032, MedGen C4225346, MONDO:0014613, OMIM 616373.
Dyskeratosis congenita, autosomal recessive 5 (DKCB5). Identifiers: MedGen C3554656, MONDO:0014076, OMIM 615190.

gnomAD v4.1: 18 of 1,612,178 alleles (0.0011%); highest among the groups gnomAD compares: Non-Finnish European, 0.0014%; no homozygotes.

Submissions (3):

Labcorp Genetics (formerly Invitae), Labcorp
Classification: Uncertain significance for Dyskeratosis congenita, autosomal recessive 5; Pulmonary fibrosis and/or bone marrow failure, Telomere-related, 3. Last evaluated: 2025-05-21. Review status: criteria provided, single submitter. Criteria: Invitae Variant Classification Sherloc (09022015). Collection method: clinical testing. Allele origin: germline.
Comment: This sequence change replaces proline, which is neutral and non-polar, with glutamine, which is neutral and polar, at codon 1002 of the RTEL1 protein (p.Pro1002Gln). This variant is present in population databases (rs767735975, gnomAD 0.002%). This variant has not been reported in the literature in individuals affected with RTEL1-related conditions. ClinVar contains an entry for this variant (Variation ID: 2081363). An algorithm developed to predict the effect of missense changes on protein structure and function (PolyPhen-2) suggests that this variant is likely to be tolerated. In summary, the available evidence is currently insufficient to determine the role of this variant in disease. Therefore, it has been classified as a Variant of Uncertain Significance.

Ambry Genetics
Classification: Uncertain significance for Inborn genetic diseases. Last evaluated: 2024-12-09. Review status: criteria provided, single submitter. Criteria: Ambry Variant Classification Scheme 2023. Collection method: clinical testing. Allele origin: germline.
Comment: The p.P1002Q variant (also known as c.3005C>A), located in coding exon 30 of the RTEL1 gene, results from a C to A substitution at nucleotide position 3005. The proline at codon 1002 is replaced by glutamine, an amino acid with similar properties. This amino acid position is conserved. In addition, this alteration is predicted to be tolerated by in silico analysis. Based on the available evidence, the clinical significance of this variant remains unclear.

Fulgent Genetics
Classification: Uncertain significance for Dyskeratosis congenita, autosomal recessive 5; Pulmonary fibrosis and/or bone marrow failure, Telomere-related, 3. Last evaluated: 2024-01-03. Review status: criteria provided, single submitter. Criteria: ACMG Guidelines, 2015. Collection method: clinical testing. Allele origin: germline.